The following is an entry in ClinVar:

ClinVar aggregate classification (germline): Uncertain significance (1 of 4 stars; one submission).

Conditions:
Neurofibromatosis, type 1 (NF1). Also called: Peripheral type neurofibromatosis; VON RECKLINGHAUSEN DISEASE; Neurofibromatosis, type I; NEUROFIBROMATOSIS, TYPE I, SOMATIC. Identifiers: Orphanet 636, MedGen C0027831, MONDO:0018975, OMIM 162200. Disease mechanism: loss of function.

Submission:

Labcorp Genetics (formerly Invitae), Labcorp
Classification: Uncertain significance for Neurofibromatosis, type 1. Last evaluated: 2023-10-28. Review status: criteria provided, single submitter. Criteria: Invitae Variant Classification Sherloc (09022015). Collection method: clinical testing. Allele origin: germline.
Comment: This sequence change replaces serine, which is neutral and polar, with arginine, which is basic and polar, at codon 2813 of the NF1 protein (p.Ser2813Arg). This variant is not present in population databases (gnomAD no frequency). This variant has not been reported in the literature in individuals affected with NF1-related conditions. Advanced modeling of protein sequence and biophysical properties (such as structural, functional, and spatial information, amino acid conservation, physicochemical variation, residue mobility, and thermodynamic stability) has been performed at Invitae for this missense variant, however the output from this modeling did not meet the statistical confidence thresholds required to predict the impact of this variant on NF1 protein function. In summary, the available evidence is currently insufficient to determine the role of this variant in disease. Therefore, it has been classified as a Variant of Uncertain Significance.

NM_001042492.3(NF1):c.8502C>G (p.Ser2834Arg)

Gene: NF1 (neurofibromin 1; plus strand). Cytogenetic location: 17q11.2.
Variant type: single nucleotide variant.
Coding change: c.8502C>G on transcript NM_001042492.3 (MANE Select); coding-DNA position 8502, C replaced by G.
Protein change: p.Ser2834Arg; replaces serine 2834 with arginine.
Molecular consequence: missense variant.
Genome position (GRCh38, 1-based): chr17:31,374,137, C>G. VCF-style: chr17-31374137-C-G. GRCh37 (hg19) VCF-style: chr17-29701155-C-G.
Other names: c.8439C>G, p.Ser2813Arg (NM_000267.4); short protein forms S2813R, S2834R.
Identifiers: ClinVar variation 3007903 (VCV003007903.3), dbSNP rs2151601627, ClinGen allele CA399206115.